The following is an entry in ClinVar:

NM_006267.5(RANBP2):c.3273A>T (p.Gln1091His)

Gene: RANBP2 (RAN binding protein 2; plus strand). Cytogenetic location: 2q13.
Variant type: single nucleotide variant.
Coding change: c.3273A>T on transcript NM_006267.5 (MANE Select); coding-DNA position 3273, A replaced by T.
Protein change: p.Gln1091His; replaces glutamine 1091 with histidine.
Molecular consequence: missense variant.
Genome position (GRCh38, 1-based): chr2:108,763,812, A>T. VCF-style: chr2-108763812-A-T. GRCh37 (hg19) VCF-style: chr2-109380268-A-T.
Other names: short protein forms Q1091H.
Identifiers: ClinVar variation 666075 (VCV000666075.9), dbSNP rs770365585, ClinGen allele CA1822909.

ClinVar aggregate classification (germline): Uncertain significance (1 of 4 stars; one submission).

Conditions:
Familial acute necrotizing encephalopathy (IIAE3). Also called: Susceptibility to Acute Necrotizing Encephalopathy 1; ENCEPHALOPATHY, ACUTE, INFECTION-INDUCED, SUSCEPTIBILITY TO, 3. Identifiers: Orphanet 88619, MedGen C2675556, MONDO:0011953, OMIM 608033.

Allele frequency attached by ClinVar (database versions not stated): gnomAD 0.00001; gnomAD exomes 0.00001; TOPMed 0.00001; ExAC 0.00002.
gnomAD v4.1: 27 of 1,614,006 alleles (0.0017%); highest among the groups gnomAD compares: African/African-American, 0.0027%; no homozygotes.

Submission:

Labcorp Genetics (formerly Invitae), Labcorp
Classification: Uncertain significance for Familial acute necrotizing encephalopathy. Last evaluated: 2022-02-04. Review status: criteria provided, single submitter. Criteria: Invitae Variant Classification Sherloc (09022015). Collection method: clinical testing. Allele origin: germline.
Comment: Algorithms developed to predict the effect of missense changes on protein structure and function are either unavailable or do not agree on the potential impact of this missense change (SIFT: "Deleterious"; PolyPhen-2: "Benign"; Align-GVGD: "Class C15"). ClinVar contains an entry for this variant (Variation ID: 666075). This variant has not been reported in the literature in individuals affected with RANBP2-related conditions. This variant is present in population databases (rs770365585, gnomAD 0.003%). This sequence change replaces glutamine, which is neutral and polar, with histidine, which is basic and polar, at codon 1091 of the RANBP2 protein (p.Gln1091His). In summary, the available evidence is currently insufficient to determine the role of this variant in disease. Therefore, it has been classified as a Variant of Uncertain Significance.